The following is an entry in ClinVar:

NM_001365693.1(MGAM):c.6153C>G (p.Ser2051=)

Gene: MGAM (maltase-glucoamylase; plus strand). Cytogenetic location: 7q34.
Variant type: single nucleotide variant.
Coding change: c.6153C>G on transcript NM_001365693.1 (MANE Select); coding-DNA position 6153, C replaced by G.
Protein change: p.Ser2051=; no amino-acid change (serine 2051 retained).
Molecular consequence: synonymous variant. On other transcripts: intron variant (1).
Genome position (GRCh38, 1-based): chr7:142,082,192, C>G. VCF-style: chr7-142082192-C-G. GRCh37 (hg19) VCF-style: chr7-141781992-C-G.
Other names: c.4619-12428C>G (NM_004668.3).
Identifiers: ClinVar variation 3234435 (VCV003234435.20), dbSNP rs2486627602, ClinGen allele CA2825001551.
Genomic context (GRCh38, chr7:142,082,192, plus strand): 5'-GGAGACTGAGCACACGTCCTACAGGAGAGACTTGGAGTGGCACACTTGGGGGATGTTCTC[C>G]CGAGACCAGCCCCCAGGGGTAAGGACAGAGCATTTGAGATCTGTGTCTCTGCTTCTCTCC-3'
Protein context (NP_001352622.1, residues 2041-2061): DLEWHTWGMF[Ser2051=]RDQPPGYKKN

ClinVar aggregate classification (germline): Likely benign (1 of 4 stars; one submission).

Submission:

CeGaT Center for Human Genetics Tuebingen
Classification: Likely benign. Last evaluated: 2024-03-01. Review status: criteria provided, single submitter. Criteria: CeGaT Center For Human Genetics Tuebingen Variant Classification Criteria Version 2. Collection method: clinical testing. Allele origin: germline. Affected: yes. Observed: 1 variant allele.
Comment: MGAM: PM2:Supporting, BP4, BP7